The following is an entry in ClinVar:

NM_006231.4(POLE):c.982T>C (p.Tyr328His)

Gene: POLE (DNA polymerase epsilon, catalytic subunit; minus strand). Cytogenetic location: 12q24.33.
Variant type: single nucleotide variant.
Coding change: c.982T>C on transcript NM_006231.4 (MANE Select); coding-DNA position 982, T replaced by C.
Protein change: p.Tyr328His; replaces tyrosine 328 with histidine.
Molecular consequence: missense variant.
Genome position (GRCh38, 1-based): chr12:132,676,132, A>G on the plus strand (T>C on the coding strand, the complement: POLE is on the minus strand). VCF-style: chr12-132676132-A-G. GRCh37 (hg19) VCF-style: chr12-133252718-A-G.
Other names: short protein forms Y328H.
Identifiers: ClinVar variation 5027059 (VCV005027059.1).
Genomic context (GRCh38, chr12:132,676,132, plus strand): 5'-TTCCCAAGTGATACCTCCTTACCTCATCGGGTTCATTGAAGACACAAAAGGGGCCTTCAT[A>G]TTCTGGCTTGGGGGTGAACTCAAAATCTTCAATATCTTCTGAAACAATCTCCCTGTTGGT-3'
Protein context (NP_006222.2, residues 318-338): EDFEFTPKPE[Tyr328His]EGPFCVFNEP

ClinVar aggregate classification (germline): Uncertain significance (1 of 4 stars; one submission).

Conditions:
Hereditary cancer-predisposing syndrome. Also called: Neoplastic Syndromes, Hereditary; Tumor predisposition; Hereditary neoplastic syndrome; Hereditary Cancer Syndrome. Identifiers: Orphanet 140162, MedGen C0027672, MeSH D009386, MONDO:0015356.

Submission:

Ambry Genetics
Classification: Uncertain significance for Hereditary cancer-predisposing syndrome. Last evaluated: 2026-07-01. Review status: criteria provided, single submitter. Criteria: Ambry Variant Classification Scheme 2023. Collection method: clinical testing. Allele origin: germline.
Comment: The p.Y328H variant (also known as c.982T>C), located in coding exon 10 of the POLE gene, results from a T to C substitution at nucleotide position 982. The tyrosine at codon 328 is replaced by histidine, an amino acid with similar properties. This amino acid position is conserved. In addition, the in silico prediction for this alteration is inconclusive. Based on the available evidence, the clinical significance of this variant remains unclear.